The following is an entry in ClinVar:

ClinVar aggregate classification (germline): Uncertain significance (1 of 4 stars; one submission).

Conditions:
POLR2A-related disorder. Also called: POLR2A-related condition.

Submission:

PreventionGenetics, part of Exact Sciences
Classification: Uncertain significance for POLR2A-related condition. Last evaluated: 2025-07-14. Review status: criteria provided, single submitter. Criteria: ACMG Guidelines, 2015. Collection method: clinical testing. Allele origin: germline.
Comment: The POLR2A c.3564G>C variant is predicted to result in the amino acid substitution p.Glu1188Asp. To our knowledge, this variant has not been reported in the literature or in a large population database (gnomAD), indicating this variant is rare. At this time, the clinical significance of this variant is uncertain due to the absence of conclusive functional and genetic evidence.

NM_000937.5(POLR2A):c.3564G>C (p.Glu1188Asp)

Gene: POLR2A (RNA polymerase II subunit A; plus strand). Cytogenetic location: 17p13.1.
Variant type: single nucleotide variant.
Coding change: c.3564G>C on transcript NM_000937.5 (MANE Select); coding-DNA position 3564, G replaced by C.
Protein change: p.Glu1188Asp; replaces glutamic acid 1188 with aspartic acid.
Molecular consequence: missense variant.
Genome position (GRCh38, 1-based): chr17:7,509,042, G>C. VCF-style: chr17-7509042-G-C. GRCh37 (hg19) VCF-style: chr17-7412361-G-C.
Other names: short protein forms E1188D.
Identifiers: ClinVar variation 5001113 (VCV005001113.1).